The following is an entry in ClinVar:

ClinVar aggregate classification (germline): Conflicting classifications of pathogenicity. Review status: criteria provided, conflicting classifications (1 of 4 stars). 2 submissions from 2 submitters: Uncertain significance (1); Likely benign (1). Last evaluated 2025-08-18.

Conditions:
Hereditary hemorrhagic telangiectasia (HHT). Also called: Osler hemorrhagic telangiectasia syndrome; ORW DISEASE; Osler Weber Rendu syndrome; OSLER-RENDU-WEBER DISEASE. Identifiers: Orphanet 774, MedGen C0039445, MONDO:0019180. Disease mechanism: loss of function.
Cardiovascular phenotype. Identifiers: MedGen CN230736.

Allele frequency attached by ClinVar (database versions not stated): gnomAD exomes below 0.00001 and 0.00001; gnomAD 0.00003; TOPMed 0.00003.
gnomAD v4.1: 9 of 1,612,346 alleles (0.00056%); highest among the groups gnomAD compares: Non-Finnish European, 0.00076%; no homozygotes.

Submissions (2):

Ambry Genetics
Classification: Likely benign for Cardiovascular phenotype. Last evaluated: 2025-08-18. Review status: criteria provided, single submitter. Criteria: Ambry Variant Classification Scheme 2023. Collection method: clinical testing. Allele origin: germline.

Labcorp Genetics (formerly Invitae), Labcorp
Classification: Uncertain significance for Hereditary hemorrhagic telangiectasia. Last evaluated: 2023-07-25. Review status: criteria provided, single submitter. Criteria: Invitae Variant Classification Sherloc (09022015). Collection method: clinical testing. Allele origin: germline.
Comment: In summary, the available evidence is currently insufficient to determine the role of this variant in disease. Therefore, it has been classified as a Variant of Uncertain Significance. Advanced modeling of protein sequence and biophysical properties (such as structural, functional, and spatial information, amino acid conservation, physicochemical variation, residue mobility, and thermodynamic stability) performed at Invitae indicates that this missense variant is expected to disrupt ENG protein function. ClinVar contains an entry for this variant (Variation ID: 953269). This variant has not been reported in the literature in individuals affected with ENG-related conditions. This variant is present in population databases (no rsID available, gnomAD 0.002%). This sequence change replaces threonine, which is neutral and polar, with alanine, which is neutral and non-polar, at codon 274 of the ENG protein (p.Thr274Ala).

NM_001114753.3(ENG):c.820A>G (p.Thr274Ala)

Gene: ENG (endoglin; minus strand). Cytogenetic location: 9q34.11.
Variant type: single nucleotide variant.
Coding change: c.820A>G on transcript NM_001114753.3 (MANE Select); coding-DNA position 820, A replaced by G.
Protein change: p.Thr274Ala; replaces threonine 274 with alanine.
Molecular consequence: missense variant.
Genome position (GRCh38, 1-based): chr9:127,824,971, T>C on the plus strand (A>G on the coding strand, the complement: ENG is on the minus strand). VCF-style: chr9-127824971-T-C. GRCh37 (hg19) VCF-style: chr9-130587250-T-C.
Other names: c.820A>G, p.Thr274Ala (NM_000118.4, NM_001406715.1); c.274A>G, p.Thr92Ala (NM_001278138.2); c.820A>G (NM_001114753.1); short protein forms T92A, T274A.
Identifiers: ClinVar variation 953269 (VCV000953269.10), dbSNP rs1370586541, ClinGen allele CA374982882.
Genomic context (GRCh38, chr9:127,824,971, plus strand): 5'-CTGGGAGCTTGAAGCCACGAATGTTTTTCTCTGGAAAGATCTTGAAGGAGTATTCTCCAG[T>C]GGTCTAATGGTGGGGAGAGAGGCAGAACAGGGGGCCATGGACACAGTCTGTGCCACAGCA-3'
Protein context (NP_001108225.1, residues 264-284): DANHNMQIWT[Thr274Ala]GEYSFKIFPE